The following is an entry in ClinVar:

ClinVar aggregate classification (germline): Benign (1 of 4 stars; one submission).

Allele frequency attached by ClinVar (database versions not stated): TOPMed 0.00002; gnomAD 0.00014; 1000 Genomes Project 0.00100.

Submission:

CeGaT Center for Human Genetics Tuebingen
Classification: Benign. Last evaluated: 2023-04-01. Review status: criteria provided, single submitter. Criteria: CeGaT Center For Human Genetics Tuebingen Variant Classification Criteria Version 2. Collection method: clinical testing. Allele origin: germline. Affected: yes. Observed: 1 variant allele.
Comment: ACTC1: BS1, BS2

NC_000015.10:g.34789490C>A

Genes: GJD2-DT (GJD2 divergent transcript; plus strand), ACTC1 (actin alpha cardiac muscle 1; minus strand). Cytogenetic location: 15q14.
Variant type: single nucleotide variant.
Genome position: GRCh38 VCF-style: chr15-34789490-C-A. GRCh37 (hg19) VCF-style: chr15-35081691-C-A.
Identifiers: ClinVar variation 2570899 (VCV002570899.25), dbSNP rs568596720, ClinGen allele CA268659280.